The following is an entry in ClinVar:

ClinVar aggregate classification (germline): Uncertain significance (1 of 4 stars; one submission).

Conditions:
Aicardi-Goutieres syndrome 5. Identifiers: Orphanet 51, MedGen C2749659, MONDO:0013059, OMIM 612952.

Submission:

Labcorp Genetics (formerly Invitae), Labcorp
Classification: Uncertain significance for Aicardi Goutieres syndrome 5. Last evaluated: 2019-08-26. Review status: criteria provided, single submitter. Criteria: Invitae Variant Classification Sherloc (09022015). Collection method: clinical testing. Allele origin: germline.
Comment: This variant results in a copy number gain of the genomic region encompassing exons 14-16 of the SAMHD1 gene. The 5' boundary is likely confined to intron 13. The 3' end of this event is unknown as it extends beyond the assayed region for this gene and therefore may encompass additional genes. As the precise location of this event is unknown, it may be in tandem or it may be located elsewhere in the genome. This variant has not been reported in the literature in individuals with SAMHD1-related conditions. In summary, the available evidence is currently insufficient to determine the role of this variant in disease. Therefore, it has been classified as a Variant of Uncertain Significance.

NC_000020.11:g.(?_36892912)_(36898564_?)dup

Genes: SAMHD1 (SAM and HD domain containing deoxynucleoside triphosphate triphosphohydrolase 1; minus strand), TLDC2 (TBC/LysM-associated domain containing 2; plus strand). Cytogenetic location: 20q11.23.
Variant type: Duplication.
Identifiers: ClinVar variation 832043 (VCV000832043.1).